The following is an entry in ClinVar:

ClinVar aggregate classification (germline): Conflicting classifications of pathogenicity. Review status: criteria provided, conflicting classifications (1 of 4 stars). 12 submissions from 12 submitters: Uncertain significance (10); Likely benign (1). 1 of the submissions does not count toward it. Last evaluated 2025-12-29.

Conditions:
BARD1-related cancer predisposition. Identifiers: MedGen CN377756, MONDO:0700267.
BARD1-related disorder. Also called: BARD1-related condition.
Hereditary cancer-predisposing syndrome. Also called: Hereditary neoplastic syndrome; Neoplastic Syndromes, Hereditary; Tumor predisposition; Hereditary Cancer Syndrome. Identifiers: Orphanet 140162, MedGen C0027672, MeSH D009386, MONDO:0015356.
Familial cancer of breast. Also called: BREAST CANCER, FAMILIAL; Hereditary breast cancer; hereditary breast carcinoma. Identifiers: Orphanet 227535, MedGen C0346153, MONDO:0016419, OMIM 114480. Disease mechanism: loss of function.

Allele frequency attached by ClinVar (database versions not stated): gnomAD exomes 0.00001 and 0.00004; TOPMed 0.00003; ExAC 0.00004; gnomAD 0.00005 and 0.00006; ESP Exome Variant Server 0.00008.
gnomAD v4.1: 29 of 1,612,988 alleles (0.0018%); highest among the groups gnomAD compares: African/African-American, 0.012%; no homozygotes.

Submissions (12):

Center for Genomic Medicine, Rigshospitalet, Copenhagen University Hospital
Classification: Uncertain significance. Last evaluated: 2025-12-29. Review status: criteria provided, single submitter. Criteria: ACMG Guidelines, 2015. Collection method: clinical testing. Allele origin: germline.
Comment: Classification criteria: PP3_Moderate

Color Diagnostics, LLC DBA Color Health
Classification: Uncertain significance for Hereditary cancer-predisposing syndrome. Last evaluated: 2025-12-16. Review status: criteria provided, single submitter. Criteria: ACMG Guidelines, 2015. Collection method: clinical testing. Allele origin: germline.
Comment: This missense variant replaces arginine with tryptophan at codon 529 of the BARD1 protein. Computational prediction suggests that this variant may have deleterious impact on protein structure and function. To our knowledge, functional studies have not been reported for this variant. This variant has been identified in an individual affected with breast cancer (PMID: 32658311), and an individual in a cohort affected with either breast, ovarian, or pancreatic cancer (PMID: 34371384). This variant has also been identified in unaffected, healthy control individuals (PMID: 31036035, 33471991, 37262986). This variant has been identified in 29/1612988 chromosomes in the general population by the Genome Aggregation Database (gnomAD). The available evidence is insufficient to determine the role of this variant in disease conclusively. Therefore, this variant is classified as a Variant of Uncertain Significance.

Labcorp Genetics (formerly Invitae), Labcorp
Classification: Uncertain significance for Familial cancer of breast. Last evaluated: 2025-12-01. Review status: criteria provided, single submitter. Criteria: Invitae Variant Classification Sherloc (09022015). Collection method: clinical testing. Allele origin: germline.
Comment: This sequence change replaces arginine, which is basic and polar, with tryptophan, which is neutral and slightly polar, at codon 529 of the BARD1 protein (p.Arg529Trp). This variant is present in population databases (rs375515606, gnomAD 0.02%). This variant has not been reported in the literature in individuals affected with BARD1-related conditions. ClinVar contains an entry for this variant (Variation ID: 185032). An algorithm developed to predict the effect of missense changes on protein structure and function (PolyPhen-2) suggests that this variant is likely to be disruptive. RNA analysis performed to evaluate the impact of this missense change on mRNA splicing indicates it does not significantly alter splicing (internal data). In summary, the available evidence is currently insufficient to determine the role of this variant in disease. Therefore, it has been classified as a Variant of Uncertain Significance.

Ambry Genetics
Classification: Uncertain significance for Hereditary cancer-predisposing syndrome. Last evaluated: 2025-10-23. Review status: criteria provided, single submitter. Criteria: Ambry Variant Classification Scheme 2023. Collection method: clinical testing. Allele origin: germline.
Comment: The p.R529W variant (also known as c.1585C>T), located in coding exon 7 of the BARD1 gene, results from a C to T substitution at nucleotide position 1585. The arginine at codon 529 is replaced by tryptophan, an amino acid with dissimilar properties. This amino acid position is highly conserved in available vertebrate species. In addition, this alteration is predicted to be deleterious by in silico analysis. Since supporting evidence is limited at this time, the clinical significance of this alteration remains unclear.

GeneDx
Classification: Uncertain significance. Last evaluated: 2024-11-17. Review status: criteria provided, single submitter. Criteria: GeneDx Variant Classification Process June 2021. Collection method: clinical testing. Allele origin: germline. Affected: yes.
Comment: In silico analysis supports that this missense variant has a deleterious effect on protein structure/function; In silico analysis is inconclusive as to whether the variant alters gene splicing. In the absence of RNA/functional studies, the actual effect of this sequence change is unknown; This variant is associated with the following publications: (PMID: 27960086, 31036035, 18480049, 32658311, 37262986, 34371384)

Myriad Genetics, Inc.
Classification: Likely benign for Familial cancer of breast. Last evaluated: 2024-07-26. Review status: criteria provided, single submitter. Criteria: Myriad Autosomal Dominant, Autosomal Recessive and X-Linked Classification Criteria (2023). Collection method: clinical testing. Allele origin: unknown.
Comment: This variant is considered likely benign. This variant is strongly associated with less severe personal and family histories of cancer, typical for individuals without pathogenic variants in this gene [PMID: 25085752].

Molecular Pathology, Peter Maccallum Cancer Centre
Classification: Uncertain significance for BARD1-related cancer predisposition. Last evaluated: 2024-07-16. Review status: criteria provided, single submitter. Criteria: ACMG Guidelines, 2015. Collection method: clinical testing. Allele origin: germline. Inheritance: Autosomal dominant inheritance.

Women's Health and Genetics/Laboratory Corporation of America, LabCorp
Classification: Uncertain significance. Last evaluated: 2023-11-03. Review status: criteria provided, single submitter. Criteria: LabCorp Variant Classification Summary - May 2015. Collection method: clinical testing. Allele origin: germline.
Comment: Variant summary: BARD1 c.1585C>T (p.Arg529Trp) results in a non-conservative amino acid change in the encoded protein sequence. Five of five in-silico tools predict a damaging effect of the variant on protein function. The variant allele was found at a frequency of 4e-05 in 251232 control chromosomes (gnomAD). This frequency is not significantly higher than estimated for a pathogenic variant in BARD1 causing Breast Cancer (4e-05 vs 0.00025), allowing no conclusion about variant significance. c.1585C>T has been reported in the literature in individuals affected with BARD1-associated cancers (e.g, Akcay_2021, Bono_2021), however without strong evidence for causality (e.g., lack of co-occurrence and co-segregation data). Additionally the variant has been reported in the literature in several unaffected controls (e.g., Weber-Lasalle_2019, Bucalo_2023). These reports therefore do not provide unequivocal conclusions about association of the variant with Breast Cancer. To our knowledge, no experimental evidence demonstrating an impact on protein function has been reported. The following publications have been ascertained in the context of this evaluation (PMID: 32658311, 34371384, 37262986, 31036035). Six submitters have reported clinical-significance assessments for this variant to ClinVar after 2014. All submitters classified the variant as uncertain significance. Based on the evidence outlined above, the variant was classified as uncertain significance.

Quest Diagnostics Nichols Institute San Juan Capistrano
Classification: Uncertain significance. Last evaluated: 2023-10-19. Review status: criteria provided, single submitter. Criteria: Quest Diagnostics criteria. Collection method: clinical testing. Allele origin: unknown.
Comment: The BARD1 c.1585C>T (p.Arg529Trp) variant has been reported in the published literature in unaffected individuals in a large-scale breast cancer association study (PMID: 33471991 (2021), see also LOVD). The frequency of this variant in the general population, 0.00016 (4/24962 chromosomes (Genome Aggregation Database)), is uninformative in the assessment of its pathogenicity. Analysis of this variant using bioinformatics tools for the prediction of the effect of amino acid changes on protein structure and function yielded conflicting predictions that this variant is benign or damaging. Based on the available information, we are unable to determine the clinical significance of this variant.

Baylor Genetics
Classification: Uncertain significance for Familial cancer of breast. Last evaluated: 2023-10-16. Review status: criteria provided, single submitter. Criteria: ACMG Guidelines, 2015. Collection method: clinical testing. Allele origin: unknown.

Sema4
Classification: Uncertain significance for Hereditary cancer-predisposing syndrome. Last evaluated: 2022-02-08. Review status: criteria provided, single submitter. Criteria: Sema4 Curation Guidelines. Collection method: curation. Allele origin: germline.
Comment: To the best of our knowledge, the BARD1 c.1585C>T (p.R529W) variant has not been reported in individuals with BARD1-related disease. This variant was observed in 4/24962 chromosomes in the African/African American population according to the Genome Aggregation Database (PMID: 32461654). The variant has been reported in ClinVar (Variation ID: 185032). In silico tools suggest the impact of the variant on protein function is deleterious, though these predictions have not been confirmed by functional studies. The evidence is insufficient to meet ACMG/AMP criteria for classifying the variant as benign or pathogenic. Thus, the clinical significance of this variant is currently uncertain.

PreventionGenetics, part of Exact Sciences
Classification: Uncertain significance for BARD1-related condition. Last evaluated: 2024-06-29. Review status: no assertion criteria provided. Collection method: clinical testing. Allele origin: germline. Not counted in ClinVar's aggregate classification.
Comment: The BARD1 c.1585C>T variant is predicted to result in the amino acid substitution p.Arg529Trp. This variant has been reported as a variant of uncertain significance in the germline of two individuals with breast cancer (Table S1, Bono et al. 2021. PubMed ID: 34371384; Table S6, Akcay et al. 2020. PubMed ID: 32658311). It has also been reported in controls in two studies, one of which investigated the risk of breast cancer in an Italian cohort and the other assessing BARD1 loss of function variant association with early-onset breast cancer (Table S5, Bucalo et al. 2023. PubMed ID: 37262986; Table S4, Weber-Lassalle et al. 2019. PubMed ID: 31036035). This variant is reported in 0.016% of alleles in individuals of African descent in gnomAD and is listed in ClinVar as a variant of uncertain significance. At this time, the clinical significance of this variant is uncertain due to the absence of conclusive functional and genetic evidence.

Literature cited by the submitters: PubMed 31036035 (cited by Color Diagnostics, LLC DBA Color Health and Women's Health and Genetics/Laboratory Corporation of America, LabCorp); PubMed 32658311 (cited by Color Diagnostics, LLC DBA Color Health and Women's Health and Genetics/Laboratory Corporation of America, LabCorp); PubMed 33471991 (cited by Color Diagnostics, LLC DBA Color Health and Quest Diagnostics Nichols Institute San Juan Capistrano); PubMed 34371384 (cited by Color Diagnostics, LLC DBA Color Health and Women's Health and Genetics/Laboratory Corporation of America, LabCorp); PubMed 37262986 (cited by Color Diagnostics, LLC DBA Color Health and Women's Health and Genetics/Laboratory Corporation of America, LabCorp); PubMed 25085752 (cited by Myriad Genetics, Inc.).

NM_000465.4(BARD1):c.1585C>T (p.Arg529Trp)

Gene: BARD1 (BRCA1 associated RING domain 1; minus strand). Cytogenetic location: 2q35.
Variant type: single nucleotide variant.
Coding change: c.1585C>T on transcript NM_000465.4 (MANE Select); coding-DNA position 1585, C replaced by T.
Protein change: p.Arg529Trp; replaces arginine 529 with tryptophan.
Molecular consequence: missense variant. On other transcripts: non-coding transcript variant (3), intron variant (1).
Genome position (GRCh38, 1-based): chr2:214,752,539, G>A on the plus strand (C>T on the coding strand, the complement: BARD1 is on the minus strand). VCF-style: chr2-214752539-G-A. GRCh37 (hg19) VCF-style: chr2-215617263-G-A.
Other names: c.1528C>T, p.Arg510Trp (NM_001282543.2); c.232C>T, p.Arg78Trp (NM_001282545.2); c.175C>T, p.Arg59Trp (NM_001282548.2); c.365-22031C>T (NM_001282549.2); short protein forms R529W, R78W, R59W, R510W.
Identifiers: ClinVar variation 185032 (VCV000185032.33), dbSNP rs375515606, ClinGen allele CA333867.